The following is an entry in ClinVar:

ClinVar aggregate classification (germline): Uncertain significance. Review status: criteria provided, multiple submitters, no conflicts (2 of 4 stars). 6 submissions from 6 submitters: Uncertain significance (6). Last evaluated 2025-06-20.

Conditions:
Hereditary cancer-predisposing syndrome. Also called: Hereditary neoplastic syndrome; Tumor predisposition; Hereditary Cancer Syndrome; Neoplastic Syndromes, Hereditary. Identifiers: Orphanet 140162, MedGen C0027672, MeSH D009386, MONDO:0015356.
Familial cancer of breast. Also called: hereditary breast carcinoma; Hereditary breast cancer; BREAST CANCER, FAMILIAL. Identifiers: Orphanet 227535, MedGen C0346153, MONDO:0016419, OMIM 114480. Disease mechanism: loss of function.

gnomAD v4.1: 4 of 1,613,970 alleles (0.00025%); highest among the groups gnomAD compares: Non-Finnish European, 0.00025%; no homozygotes.

Submissions (6):

Ambry Genetics
Classification: Uncertain significance for Hereditary cancer-predisposing syndrome. Last evaluated: 2025-06-20. Review status: criteria provided, single submitter. Criteria: Ambry Variant Classification Scheme 2023. Collection method: clinical testing. Allele origin: germline.
Comment: The p.S49F variant (also known as c.146C>T), located in coding exon 1 of the CHEK2 gene, results from a C to T substitution at nucleotide position 146. The serine at codon 49 is replaced by phenylalanine, an amino acid with highly dissimilar properties. This amino acid position is not well conserved in available vertebrate species. In addition, the in silico prediction for this alteration is inconclusive. Since supporting evidence is limited at this time, the clinical significance of this alteration remains unclear.

Labcorp Genetics (formerly Invitae), Labcorp
Classification: Uncertain significance for Familial cancer of breast. Last evaluated: 2025-05-23. Review status: criteria provided, single submitter. Criteria: Invitae Variant Classification Sherloc (09022015). Collection method: clinical testing. Allele origin: germline.
Comment: This sequence change replaces serine, which is neutral and polar, with phenylalanine, which is neutral and non-polar, at codon 49 of the CHEK2 protein (p.Ser49Phe). This variant is not present in population databases (gnomAD no frequency). This variant has not been reported in the literature in individuals affected with CHEK2-related conditions. ClinVar contains an entry for this variant (Variation ID: 219642). An algorithm developed to predict the effect of missense changes on protein structure and function (PolyPhen-2) suggests that this variant is likely to be disruptive. In summary, the available evidence is currently insufficient to determine the role of this variant in disease. Therefore, it has been classified as a Variant of Uncertain Significance.

Color Diagnostics, LLC DBA Color Health
Classification: Uncertain significance for Hereditary cancer-predisposing syndrome. Last evaluated: 2025-04-20. Review status: criteria provided, single submitter. Criteria: ACMG Guidelines, 2015. Collection method: clinical testing. Allele origin: germline.
Comment: This missense variant replaces serine with phenylalanine at codon 49 of the CHEK2 protein. Computational prediction suggests that this variant may not impact protein structure and function. To our knowledge, functional studies have not been reported for this variant. This variant has not been reported in individuals affected with CHEK2-related disorders in the literature. This variant has not been identified in the general population by the Genome Aggregation Database (gnomAD). The available evidence is insufficient to determine the role of this variant in disease conclusively. Therefore, this variant is classified as a Variant of Uncertain Significance.

Baylor Genetics
Classification: Uncertain significance for Familial cancer of breast. Last evaluated: 2023-10-01. Review status: criteria provided, single submitter. Criteria: ACMG Guidelines, 2015. Collection method: clinical testing. Allele origin: unknown.

GeneDx
Classification: Uncertain significance. Last evaluated: 2023-07-05. Review status: criteria provided, single submitter. Criteria: GeneDx Variant Classification Process June 2021. Collection method: clinical testing. Allele origin: germline. Affected: yes.
Comment: Not observed at significant frequency in large population cohorts (gnomAD); In silico analysis supports that this missense variant does not alter protein structure/function; Has not been previously published as pathogenic or benign to our knowledge; This variant is associated with the following publications: (PMID: 22114986, 11733767, 29641532, 34480478)

PreventionGenetics, part of Exact Sciences
Classification: Uncertain significance. Last evaluated: 2017-11-15. Review status: criteria provided, single submitter. Criteria: ACMG Guidelines, 2015. Collection method: clinical testing. Allele origin: germline.

NM_007194.4(CHEK2):c.146C>T (p.Ser49Phe)

Gene: CHEK2 (checkpoint kinase 2; minus strand). Cytogenetic location: 22q12.1.
Variant type: single nucleotide variant.
Coding change: c.146C>T on transcript NM_007194.4 (MANE Select); coding-DNA position 146, C replaced by T.
Protein change: p.Ser49Phe; replaces serine 49 with phenylalanine.
Molecular consequence: missense variant.
Genome position (GRCh38, 1-based): chr22:28,734,576, G>A on the plus strand (C>T on the coding strand, the complement: CHEK2 is on the minus strand). VCF-style: chr22-28734576-G-A. GRCh37 (hg19) VCF-style: chr22-29130564-G-A.
Other names: c.146C>T, p.Ser49Phe (NM_001005735.3, NM_001349956.3, NM_145862.3); c.-632C>T (NM_001257387.3); short protein forms S49F.
Identifiers: ClinVar variation 219642 (VCV000219642.26), dbSNP rs730881694, ClinGen allele CA349738.